The following is an entry in ClinVar:

ClinVar aggregate classification (germline): Conflicting classifications of pathogenicity. Review status: criteria provided, conflicting classifications (1 of 4 stars). 3 submissions from 3 submitters: Uncertain significance (1); Likely benign (2). Last evaluated 2025-04-06.

Conditions:
Hereditary cancer-predisposing syndrome. Also called: Hereditary neoplastic syndrome; Neoplastic Syndromes, Hereditary; Tumor predisposition; Hereditary Cancer Syndrome. Identifiers: Orphanet 140162, MedGen C0027672, MeSH D009386, MONDO:0015356.
Ataxia-telangiectasia syndrome (AT). Also called: LOUIS-BAR SYNDROME; Cerebello-oculocutaneous telangiectasia; Immunodeficiency with ataxia telangiectasia; AT, COMPLEMENTATION GROUP C; Ataxia-telangiectasia, complementation group D; ATAXIA-TELANGIECTASIA, COMPLEMENTATION GROUP A. Identifiers: Orphanet 100, MedGen C0004135, MONDO:0008840, OMIM 208900.

Allele frequency attached by ClinVar (database versions not stated): gnomAD exomes below 0.00001.
gnomAD v4.1: 1 of 1,612,876 alleles (0.000062%); highest among the groups gnomAD compares: Non-Finnish European, 0.000085%; no homozygotes.

Submissions (3):

Color Diagnostics, LLC DBA Color Health
Classification: Likely benign for Hereditary cancer-predisposing syndrome. Last evaluated: 2025-04-06. Review status: criteria provided, single submitter. Criteria: ACMG Guidelines, 2015. Collection method: clinical testing. Allele origin: germline.

Labcorp Genetics (formerly Invitae), Labcorp
Classification: Likely benign for Ataxia-telangiectasia syndrome. Last evaluated: 2024-12-10. Review status: criteria provided, single submitter. Criteria: Invitae Variant Classification Sherloc (09022015). Collection method: clinical testing. Allele origin: germline.

Ambry Genetics
Classification: Uncertain significance for Hereditary cancer-predisposing syndrome. Last evaluated: 2024-04-17. Review status: criteria provided, single submitter. Criteria: Ambry Variant Classification Scheme 2023. Collection method: clinical testing. Allele origin: germline.
Comment: The c.3577-5T>C intronic variant results from a T to C substitution 5 nucleotides upstream from coding exon 24 in the ATM gene. This nucleotide position is well conserved in available vertebrate species. In silico splice site analysis predicts that this alteration will not have any significant effect on splicing; however, direct evidence is insufficient at this time (Ambry internal data). Based on the available evidence, the clinical significance of this variant remains unclear.

NM_000051.4(ATM):c.3577-5T>C

Gene: ATM (ATM serine/threonine kinase; plus strand). Cytogenetic location: 11q22.3.
Variant type: single nucleotide variant.
Coding change: c.3577-5T>C on transcript NM_000051.4 (MANE Select); 5 bases into the intron before coding-DNA position 3577, T replaced by C.
Molecular consequence: intron variant.
Genome position (GRCh38, 1-based): chr11:108,282,705, T>C. VCF-style: chr11-108282705-T-C. GRCh37 (hg19) VCF-style: chr11-108153432-T-C.
Other names: c.3577-5T>C (NM_001351834.2).
Identifiers: ClinVar variation 482660 (VCV000482660.12), dbSNP rs1555092229, ClinGen allele CA658656222.
Genomic context (GRCh38, chr11:108,282,705, plus strand): 5'-AACAAGCATTTAAATGATTTATTTTTTTCATTTTTCTTAACACATTGACTTTTTGGTTCG[T>C]GCAGGTTTTAGAGAAAGTTTCTGAAACTTTTGGATATAGACGTTTAGAAGACTTTATGGC-3'